The following is an entry in ClinVar:

NM_003737.4(DCHS1):c.1381C>T (p.His461Tyr)

Gene: DCHS1 (dachsous cadherin-related 1; minus strand). Cytogenetic location: 11p15.4.
Variant type: single nucleotide variant.
Coding change: c.1381C>T on transcript NM_003737.4 (MANE Select); coding-DNA position 1381, C replaced by T.
Protein change: p.His461Tyr; replaces histidine 461 with tyrosine.
Molecular consequence: missense variant.
Genome position (GRCh38, 1-based): chr11:6,640,233, G>A on the plus strand (C>T on the coding strand, the complement: DCHS1 is on the minus strand). VCF-style: chr11-6640233-G-A. GRCh37 (hg19) VCF-style: chr11-6661464-G-A.
Other names: c.1381C>T (NM_003737.2); short protein forms H461Y.
Identifiers: ClinVar variation 2980896 (VCV002980896.4), dbSNP rs993401935, ClinGen allele CA217302817.

ClinVar aggregate classification (germline): Uncertain significance. Review status: criteria provided, multiple submitters, no conflicts (2 of 4 stars). 2 submissions from 2 submitters: Uncertain significance (2). Last evaluated 2025-02-15.

Conditions:
Inborn genetic diseases. Identifiers: MedGen C0950123, MeSH D030342.

Allele frequency attached by ClinVar (database versions not stated): gnomAD exomes below 0.00001; gnomAD 0.00001; TOPMed 0.00003.

Submissions (2):

Labcorp Genetics (formerly Invitae), Labcorp
Classification: Uncertain significance. Last evaluated: 2025-02-15. Review status: criteria provided, single submitter. Criteria: Invitae Variant Classification Sherloc (09022015). Collection method: clinical testing. Allele origin: germline.
Comment: This sequence change replaces histidine, which is basic and polar, with tyrosine, which is neutral and polar, at codon 461 of the DCHS1 protein (p.His461Tyr). This variant is not present in population databases (gnomAD no frequency). This variant has not been reported in the literature in individuals affected with DCHS1-related conditions. ClinVar contains an entry for this variant (Variation ID: 2980896). Invitae Evidence Modeling of protein sequence and biophysical properties (such as structural, functional, and spatial information, amino acid conservation, physicochemical variation, residue mobility, and thermodynamic stability) indicates that this missense variant is not expected to disrupt DCHS1 protein function with a negative predictive value of 80%. In summary, the available evidence is currently insufficient to determine the role of this variant in disease. Therefore, it has been classified as a Variant of Uncertain Significance.

Ambry Genetics
Classification: Uncertain significance for Inborn genetic diseases. Last evaluated: 2024-11-12. Review status: criteria provided, single submitter. Criteria: Ambry Variant Classification Scheme 2023. Collection method: clinical testing. Allele origin: germline.